The following is an entry in ClinVar:

ClinVar aggregate classification (germline): Pathogenic (1 of 4 stars; one submission).

Conditions:
Asphyxiating thoracic dystrophy 3. Also called: SHORT-RIB THORACIC DYSPLASIA 3 WITH OR WITHOUT POLYDACTYLY; POLYDACTYLY WITH NEONATAL CHONDRODYSTROPHY, TYPE I; SHORT-RIB THORACIC DYSPLASIA 3/6 WITH POLYDACTYLY, DIGENIC; Short rib polydactyly syndrome 2B; Saldino-Noonan Syndrome. Identifiers: Orphanet 474, Orphanet 93269, Orphanet 93270, Orphanet 93271, MedGen C0036069, MONDO:0013127, OMIM 613091.

Submission:

Myriad Genetics, Inc.
Classification: Pathogenic for Asphyxiating thoracic dystrophy 3. Last evaluated: 2025-06-24. Review status: criteria provided, single submitter. Criteria: Myriad Autosomal Dominant, Autosomal Recessive and X-Linked Classification Criteria (2023). Collection method: clinical testing. Allele origin: unknown.
Comment: NM_001377.2(DYNC2H1):c.12510delA(S4171Qfs*31) is expected to be pathogenic in the context of DYNC2H1-related disorders. This variant is predicted to lead to an abnormal or absent protein product due to the creation of a premature termination codon in DYNC2H1, a gene where loss-of-function variants are known to be pathogenic. Please note: this variant was assessed in the context of healthy population screening.

NM_001377.3(DYNC2H1):c.12510del (p.Ser4171fs)

Gene: DYNC2H1 (dynein cytoplasmic 2 heavy chain 1; plus strand). Cytogenetic location: 11q22.3.
Variant type: Deletion.
Coding change: c.12510del on transcript NM_001377.3 (MANE Select); coding-DNA position 12510, one base deleted (A; older notation c.12510delA).
Protein change: p.Ser4171fs; shifts the reading frame from serine 4171.
Molecular consequence: frameshift variant.
Genome position (GRCh38, 1-based): chr11:103,455,239, A deleted. VCF-style (leftmost placement, unchanged base first): chr11-103455238-TA-T. GRCh37 (hg19) VCF-style: chr11-103325966-TA-T.
Other names: c.12531del, p.Ser4178fs (NM_001080463.2); short protein forms S4171fs, S4178fs.
Identifiers: ClinVar variation 5014636 (VCV005014636.1).